The following is an entry in ClinVar:

ClinVar aggregate classification (germline): Uncertain significance (1 of 4 stars; one submission).

Conditions:
Majeed syndrome (MJDS). Also called: LPIN2-Related Majeed Syndrome; CHRONIC RECURRENT MULTIFOCAL OSTEOMYELITIS 1, WITH CONGENITAL DYSERYTHROPOIETIC ANEMIA, WITH OR WITHOUT NEUTROPHILIC DERMATOSIS. Identifiers: Orphanet 77297, MedGen C1864997, MONDO:0012316, OMIM 609628.

Submission:

Labcorp Genetics (formerly Invitae), Labcorp
Classification: Uncertain significance for Majeed syndrome. Last evaluated: 2022-10-25. Review status: criteria provided, single submitter. Criteria: Invitae Variant Classification Sherloc (09022015). Collection method: clinical testing. Allele origin: germline.
Comment: This sequence change replaces serine, which is neutral and polar, with cysteine, which is neutral and slightly polar, at codon 281 of the LPIN2 protein (p.Ser281Cys). This variant is not present in population databases (gnomAD no frequency). This variant has not been reported in the literature in individuals affected with LPIN2-related conditions. ClinVar contains an entry for this variant (Variation ID: 1471253). Advanced modeling of protein sequence and biophysical properties (such as structural, functional, and spatial information, amino acid conservation, physicochemical variation, residue mobility, and thermodynamic stability) performed at Invitae indicates that this missense variant is not expected to disrupt LPIN2 protein function. In summary, the available evidence is currently insufficient to determine the role of this variant in disease. Therefore, it has been classified as a Variant of Uncertain Significance.

NM_001375808.2(LPIN2):c.842C>G (p.Ser281Cys)

Gene: LPIN2 (lipin 2; minus strand). Cytogenetic location: 18p11.31.
Variant type: single nucleotide variant.
Coding change: c.842C>G on transcript NM_001375808.2 (MANE Select); coding-DNA position 842, C replaced by G.
Protein change: p.Ser281Cys; replaces serine 281 with cysteine.
Molecular consequence: missense variant.
Genome position (GRCh38, 1-based): chr18:2,938,018, G>C on the plus strand (C>G on the coding strand, the complement: LPIN2 is on the minus strand). VCF-style: chr18-2938018-G-C. GRCh37 (hg19) VCF-style: chr18-2938016-G-C.
Other names: c.842C>G, p.Ser281Cys (NM_001375809.1, NM_014646.2); short protein forms S281C.
Identifiers: ClinVar variation 1471253 (VCV001471253.6), dbSNP rs2144196740, ClinGen allele CA401707024.